The following is an entry in ClinVar:

NM_022455.5(NSD1):c.5532G>A (p.Arg1844=)

Gene: NSD1 (nuclear receptor binding SET domain protein 1; plus strand). Cytogenetic location: 5q35.3.
Variant type: single nucleotide variant.
Coding change: c.5532G>A on transcript NM_022455.5 (MANE Select); coding-DNA position 5532, G replaced by A.
Protein change: p.Arg1844=; no amino-acid change (arginine 1844 retained).
Molecular consequence: synonymous variant.
Genome position (GRCh38, 1-based): chr5:177,273,694, G>A. VCF-style: chr5-177273694-G-A. GRCh37 (hg19) VCF-style: chr5-176700695-G-A.
Other names: c.4659G>A, p.Arg1553= (NM_001365684.2, NM_001409308.1, NM_001409309.1 and 1 more transcripts); c.5532G>A, p.Arg1844= (NM_001409301.1, NM_001409302.1, NM_001409303.1); c.5112G>A, p.Arg1704= (NM_001409304.1); c.4779G>A, p.Arg1593= (NM_001409305.1); c.4770G>A, p.Arg1590= (NM_001409306.1, NM_001409307.1).
Identifiers: ClinVar variation 1106549 (VCV001106549.14), dbSNP rs201357386, ClinGen allele CA3577847.

ClinVar aggregate classification (germline): Likely benign. Review status: criteria provided, single submitter (1 of 4 stars). 2 submissions from 2 submitters: Likely benign (1). 1 of the submissions does not count toward it. Last evaluated 2025-07-16.

Conditions:
NSD1-related disorder. Also called: NSD1-related condition.

Allele frequency attached by ClinVar (database versions not stated): gnomAD 0.00002 and 0.00003; gnomAD exomes 0.00002 and 0.00004; TOPMed 0.00002; ExAC 0.00003.
gnomAD v4.1: 38 of 1,613,492 alleles (0.0024%); highest among the groups gnomAD compares: Admixed American, 0.0033%; no homozygotes.

Submissions (2):

Labcorp Genetics (formerly Invitae), Labcorp
Classification: Likely benign. Last evaluated: 2025-07-16. Review status: criteria provided, single submitter. Criteria: Invitae Variant Classification Sherloc (09022015). Collection method: clinical testing. Allele origin: germline.

PreventionGenetics, part of Exact Sciences
Classification: Likely benign for NSD1-related condition. Last evaluated: 2019-03-05. Review status: no assertion criteria provided. Collection method: clinical testing. Allele origin: germline. Not counted in ClinVar's aggregate classification.
Comment: This variant is classified as likely benign based on ACMG/AMP sequence variant interpretation guidelines (Richards et al. 2015 PMID: 25741868, with internal and published modifications).